The following is an entry in ClinVar:

ClinVar aggregate classification (germline): Uncertain significance (1 of 4 stars; one submission).

Submission:

Labcorp Genetics (formerly Invitae), Labcorp
Classification: Uncertain significance. Last evaluated: 2023-06-03. Review status: criteria provided, single submitter. Criteria: Invitae Variant Classification Sherloc (09022015). Collection method: clinical testing. Allele origin: germline.
Comment: This variant is not present in population databases (gnomAD no frequency). This sequence change replaces tyrosine, which is neutral and polar, with cysteine, which is neutral and slightly polar, at codon 328 of the TGFB1 protein (p.Tyr328Cys). This variant has not been reported in the literature in individuals affected with TGFB1-related conditions. In summary, the available evidence is currently insufficient to determine the role of this variant in disease. Therefore, it has been classified as a Variant of Uncertain Significance. Advanced modeling of protein sequence and biophysical properties (such as structural, functional, and spatial information, amino acid conservation, physicochemical variation, residue mobility, and thermodynamic stability) performed at Invitae indicates that this missense variant is expected to disrupt TGFB1 protein function.

NM_000660.7(TGFB1):c.983A>G (p.Tyr328Cys)

Gene: TGFB1 (transforming growth factor beta 1; minus strand). Cytogenetic location: 19q13.2.
Variant type: single nucleotide variant.
Coding change: c.983A>G on transcript NM_000660.7 (MANE Select); coding-DNA position 983, A replaced by G.
Protein change: p.Tyr328Cys; replaces tyrosine 328 with cysteine.
Molecular consequence: missense variant.
Genome position (GRCh38, 1-based): chr19:41,332,159, T>C on the plus strand (A>G on the coding strand, the complement: TGFB1 is on the minus strand). VCF-style: chr19-41332159-T-C. GRCh37 (hg19) VCF-style: chr19-41838064-T-C.
Other names: short protein forms Y328C.
Identifiers: ClinVar variation 2760940 (VCV002760940.3), dbSNP rs2513372965, ClinGen allele CA405998331.